The following is an entry in ClinVar:

ClinVar aggregate classification (germline): Uncertain significance. Review status: criteria provided, multiple submitters, no conflicts (2 of 4 stars). 3 submissions from 3 submitters: Uncertain significance (2). 1 of the submissions does not count toward it. Last evaluated 2025-01-29.

Conditions:
Cerebral creatine deficiency syndrome. Also called: Creatine deficiency syndromes. Identifiers: Orphanet 79172, MedGen C5244016, MONDO:0000456.
Deficiency of guanidinoacetate methyltransferase (CCDS2). Also called: GAMT DEFICIENCY; CEREBRAL CREATINE DEFICIENCY SYNDROME 2; Guanidinoacetate Methyltransferase (GAMT) Deficiency. Identifiers: Orphanet 382, MedGen C0574080, MONDO:0012999, OMIM 612736.

Allele frequency attached by ClinVar (database versions not stated): gnomAD exomes 0.00001; TOPMed 0.00001.
gnomAD v4.1: 10 of 1,559,344 alleles (0.00064%); highest among the groups gnomAD compares: African/African-American, 0.0014%; no homozygotes.

Submissions (3):

Women's Health and Genetics/Laboratory Corporation of America, LabCorp
Classification: Uncertain significance. Last evaluated: 2025-01-29. Review status: criteria provided, single submitter. Criteria: LabCorp Variant Classification Summary - May 2015. Collection method: clinical testing. Allele origin: germline.

Labcorp Genetics (formerly Invitae), Labcorp
Classification: Uncertain significance for Cerebral creatine deficiency syndrome. Last evaluated: 2021-08-26. Review status: criteria provided, single submitter. Criteria: Invitae Variant Classification Sherloc (09022015). Collection method: clinical testing. Allele origin: germline.
Comment: This sequence change falls in intron 2 of the GAMT gene. It does not directly change the encoded amino acid sequence of the GAMT protein. It affects a nucleotide within the consensus splice site of the intron. This variant is not present in population databases (ExAC no frequency). This variant has not been reported in the literature in individuals affected with GAMT-related conditions. Variants that disrupt the consensus splice site are a relatively common cause of aberrant splicing (PMID: 17576681, 9536098). Algorithms developed to predict the effect of sequence changes on RNA splicing suggest that this variant may disrupt the consensus splice site. In summary, the available evidence is currently insufficient to determine the role of this variant in disease. Therefore, it has been classified as a Variant of Uncertain Significance.

Natera, Inc.
Classification: Uncertain significance for Guanidinoacetate methyltransferase deficiency. Last evaluated: 2021-09-09. Review status: no assertion criteria provided. Collection method: clinical testing. Allele origin: germline. Not counted in ClinVar's aggregate classification.

Literature cited by the submitters: PubMed 17576681 (cited by Labcorp Genetics (formerly Invitae), Labcorp); PubMed 9536098 (cited by Labcorp Genetics (formerly Invitae), Labcorp).

NM_000156.6(GAMT):c.327+5C>T

Gene: GAMT (guanidinoacetate N-methyltransferase; minus strand). Cytogenetic location: 19p13.3.
Variant type: single nucleotide variant.
Coding change: c.327+5C>T on transcript NM_000156.6 (MANE Select); 5 bases into the intron after coding-DNA position 327, C replaced by T.
Molecular consequence: intron variant.
Genome position (GRCh38, 1-based): chr19:1,399,788, G>A on the plus strand (C>T on the coding strand, the complement: GAMT is on the minus strand). VCF-style: chr19-1399788-G-A. GRCh37 (hg19) VCF-style: chr19-1399787-G-A.
Other names: c.327+5C>T (NM_138924.3).
Identifiers: ClinVar variation 962059 (VCV000962059.10), dbSNP rs1489553949, ClinGen allele CA631044784.